The following is an entry in ClinVar:

NM_000090.4(COL3A1):c.898-5T>C

Gene: COL3A1 (collagen type III alpha 1 chain; plus strand). Cytogenetic location: 2q32.2.
Variant type: single nucleotide variant.
Coding change: c.898-5T>C on transcript NM_000090.4 (MANE Select); 5 bases into the intron before coding-DNA position 898, T replaced by C.
Molecular consequence: intron variant.
Genome position (GRCh38, 1-based): chr2:188,991,664, T>C. VCF-style: chr2-188991664-T-C. GRCh37 (hg19) VCF-style: chr2-189856390-T-C.
Other names: p.?.
Identifiers: ClinVar variation 333052 (VCV000333052.29), dbSNP rs535434618, ClinGen allele CA077059.

ClinVar aggregate classification (germline): Benign/Likely benign. Review status: criteria provided, multiple submitters, no conflicts (2 of 4 stars). 10 submissions from 10 submitters: Benign (5); Likely benign (5). Last evaluated 2026-02-02.

Conditions:
Ehlers-Danlos syndrome, type 4 (EDSVASC). Also called: Ehlers-Danlos Syndrome Type IV; Ehlers-Danlos syndrome vascular type; Ehlers Danlos syndrome, ecchymotic type; Ehlers Danlos syndrome, arterial type; Ehlers Danlos syndrome, Sack-Barabas type. Identifiers: Orphanet 286, MedGen C0268338, MONDO:0017314, OMIM 130050.
Familial thoracic aortic aneurysm and aortic dissection (TAAD). Also called: Thoracic aortic aneurysms and dissections. Identifiers: Orphanet 91387, MedGen C4707243, MONDO:0019625.

Allele frequency attached by ClinVar (database versions not stated): 1000 Genomes Project 30x 0.00047; gnomAD exomes 0.00004 and 0.00026; gnomAD 0.00006 and 0.00008; TOPMed 0.00019; ExAC 0.00027; 1000 Genomes Project 0.00040.
gnomAD v4.1: 89 of 1,614,004 alleles (0.0055%); highest among the groups gnomAD compares: East Asian, 0.16%; no homozygotes.

Submissions (10):

Labcorp Genetics (formerly Invitae), Labcorp
Classification: Benign for Ehlers-Danlos syndrome, type 4. Last evaluated: 2026-02-02. Review status: criteria provided, single submitter. Criteria: Invitae Variant Classification Sherloc (09022015). Collection method: clinical testing. Allele origin: germline.

Mayo Clinic Laboratories, Mayo Clinic
Classification: Likely benign. Last evaluated: 2025-09-30. Review status: criteria provided, single submitter. Criteria: ACMG Guidelines, 2015. Collection method: clinical testing. Allele origin: germline. Observed: 2 variant alleles.
Comment: BS1, BP4, BP7

Women's Health and Genetics/Laboratory Corporation of America, LabCorp
Classification: Benign. Last evaluated: 2025-01-28. Review status: criteria provided, single submitter. Criteria: LabCorp Variant Classification Summary - May 2015. Collection method: clinical testing. Allele origin: germline.
Comment: Variant summary: COL3A1 c.898-5T>C alters a non-conserved nucleotide located close to a canonical splice site and therefore could affect mRNA splicing, leading to a significantly altered protein sequence. Consensus agreement among computation tools predict no significant impact on normal splicing. However, these predictions have yet to be confirmed by functional studies. The variant allele was found at a frequency of 0.00026 in 251234 control chromosomes, predominantly at a frequency of 0.0034 within the East Asian subpopulation in the gnomAD database. The observed variant frequency within East Asian control individuals in the gnomAD database exceeds the estimated maximal expected allele frequency for a pathogenic variant in COL3A1 causing Polymicrogyria with or without vascular-type Ehlers-Danlos syndrome phenotype. To our knowledge, no occurrence of c.898-5T>C in individuals affected with COL3A1-related conditions and no experimental evidence demonstrating its impact on protein function have been reported. ClinVar contains an entry for this variant (Variation ID: 333052). Based on the evidence outlined above, the variant was classified as benign.

All of Us Research Program, National Institutes of Health
Classification: Likely benign for Ehlers-Danlos syndrome, type 4. Last evaluated: 2024-08-06. Review status: criteria provided, single submitter. Criteria: ACMG Guidelines, 2015. Collection method: clinical testing. Allele origin: germline. Inheritance: Autosomal dominant inheritance. Observed: 35 variant alleles, 35 heterozygotes.
Comment: This study involves interpretation of variants in research participants for the purpose of population health screening. Participant phenotype was not available at the time of variant classification. Additional details can be found in publication PMID: 35346344, PMCID: PMC8962531

Blueprint Genetics
Classification: Likely benign. Last evaluated: 2024-06-11. Review status: criteria provided, single submitter. Criteria: ACMG Guidelines, 2015. Collection method: clinical testing. Allele origin: germline.

Color Diagnostics, LLC DBA Color Health
Classification: Likely benign for Familial thoracic aortic aneurysm and aortic dissection. Last evaluated: 2018-10-08. Review status: criteria provided, single submitter. Criteria: ACMG Guidelines, 2015. Collection method: clinical testing. Allele origin: germline.

Ambry Genetics
Classification: Likely benign for Familial thoracic aortic aneurysm and aortic dissection. Last evaluated: 2018-08-23. Review status: criteria provided, single submitter. Criteria: Ambry Variant Classification Scheme 2023. Collection method: clinical testing. Allele origin: germline.

CHEO Genetics Diagnostic Laboratory, Children's Hospital of Eastern Ontario
Classification: Benign for Familial thoracic aortic aneurysm and aortic dissection. Last evaluated: 2018-06-29. Review status: criteria provided, single submitter. Criteria: ACMG Guidelines, 2015. Collection method: clinical testing. Allele origin: germline.

Illumina Laboratory Services, Illumina
Classification: Benign for Ehlers-Danlos syndrome, type 4. Last evaluated: 2018-01-13. Review status: criteria provided, single submitter. Criteria: ICSL Variant Classification Criteria 13 December 2019. Collection method: clinical testing. Allele origin: germline.
Comment: This variant was observed in the ICSL laboratory as part of a predisposition screen in an ostensibly healthy population. It had not been previously curated by ICSL or reported in the Human Gene Mutation Database (HGMD: prior to June 1st, 2018), and was therefore a candidate for classification through an automated scoring system. Utilizing variant allele frequency, disease prevalence and penetrance estimates, and inheritance mode, an automated score was calculated to assess if this variant is too frequent to cause the disease. Based on the score and internal cut-off values, a variant classified as benign is not then subjected to further curation. The score for this variant resulted in a classification of benign for this disease.

GeneDx
Classification: Benign. Last evaluated: 2015-03-03. Review status: criteria provided, single submitter. Criteria: GeneDx Variant Classification Process June 2021. Collection method: clinical testing. Allele origin: germline. Affected: yes.